The following is an entry in ClinVar:

ClinVar aggregate classification (germline): Uncertain significance (1 of 4 stars; one submission).

Submission:

GeneDx
Classification: Uncertain significance. Last evaluated: 2025-08-04. Review status: criteria provided, single submitter. Criteria: GeneDx Variant Classification Process June 2021. Collection method: clinical testing. Allele origin: germline. Affected: yes.
Comment: Not observed at significant frequency in large population cohorts (gnomAD); Has not been previously published as pathogenic or benign to our knowledge; In silico analysis does not support a benign or deleterious effect of this variant on protein structure/function

NM_019066.5(MAGEL2):c.3242A>G (p.Asp1081Gly)

Gene: MAGEL2 (MAGE family member L2; minus strand). Cytogenetic location: 15q11.2.
Variant type: single nucleotide variant.
Coding change: c.3242A>G on transcript NM_019066.5 (MANE Select); coding-DNA position 3242, A replaced by G.
Protein change: p.Asp1081Gly; replaces aspartic acid 1081 with glycine.
Molecular consequence: missense variant.
Genome position (GRCh38, 1-based): chr15:23,644,501, T>C on the plus strand (A>G on the coding strand, the complement: MAGEL2 is on the minus strand). VCF-style: chr15-23644501-T-C. GRCh37 (hg19) VCF-style: chr15-23889648-T-C.
Other names: short protein forms D1081G.
Identifiers: ClinVar variation 4756031 (VCV004756031.1).